The following is an entry in ClinVar:

NM_000165.5(GJA1):c.733G>C (p.Asp245His)

Gene: GJA1 (gap junction protein alpha 1; plus strand). Cytogenetic location: 6q22.31.
Variant type: single nucleotide variant.
Coding change: c.733G>C on transcript NM_000165.5 (MANE Select); coding-DNA position 733, G replaced by C.
Protein change: p.Asp245His; replaces aspartic acid 245 with histidine.
Molecular consequence: missense variant.
Genome position (GRCh38, 1-based): chr6:121,447,580, G>C. VCF-style: chr6-121447580-G-C. GRCh37 (hg19) VCF-style: chr6-121768726-G-C.
Other names: short protein forms D245H.
Identifiers: ClinVar variation 4070739 (VCV004070739.1).

ClinVar aggregate classification (germline): Uncertain significance (1 of 4 stars; one submission).

Submission:

GeneDx
Classification: Uncertain significance. Last evaluated: 2025-01-15. Review status: criteria provided, single submitter. Criteria: GeneDx Variant Classification Process June 2021. Collection method: clinical testing. Allele origin: germline. Affected: yes.
Comment: Not observed at significant frequency in large population cohorts (gnomAD); In silico analysis indicates that this missense variant does not alter protein structure/function; Has not been previously published as pathogenic or benign to our knowledge